The following is an entry in ClinVar:

ClinVar aggregate classification (germline): Uncertain significance (1 of 4 stars; one submission).

Conditions:
Cone-rod dystrophy 6 (CORD6). Also called: Cone dystrophy progressive; RETINAL CONE DYSTROPHY 2. Identifiers: Orphanet 1872, MedGen C1866293, MONDO:0011143, OMIM 601777.
Leber congenital amaurosis 1 (LCA1). Also called: RETINAL BLINDNESS, CONGENITAL; AMAUROSIS CONGENITA OF LEBER I; Congenital absence of the rods and cones; Leber's congenital tapetoretinal degeneration; Leber's congenital tapetoretinal dysplasia. Identifiers: Orphanet 65, MedGen C2931258, MONDO:0008764, OMIM 204000.

Allele frequency attached by ClinVar (database versions not stated): TOPMed below 0.00001.
gnomAD v4.1: 1 of 1,599,060 alleles (0.000063%); highest among the groups gnomAD compares: Non-Finnish European, 0.000085%; no homozygotes.

Submission:

Labcorp Genetics (formerly Invitae), Labcorp
Classification: Uncertain significance for Leber congenital amaurosis 1; Cone-rod dystrophy 6. Last evaluated: 2024-02-24. Review status: criteria provided, single submitter. Criteria: Invitae Variant Classification Sherloc (09022015). Collection method: clinical testing. Allele origin: germline.
Comment: This sequence change replaces aspartic acid, which is acidic and polar, with glutamic acid, which is acidic and polar, at codon 235 of the GUCY2D protein (p.Asp235Glu). This variant is not present in population databases (gnomAD no frequency). This variant has not been reported in the literature in individuals affected with GUCY2D-related conditions. ClinVar contains an entry for this variant (Variation ID: 1993630). Advanced modeling of protein sequence and biophysical properties (such as structural, functional, and spatial information, amino acid conservation, physicochemical variation, residue mobility, and thermodynamic stability) performed at Invitae indicates that this missense variant is not expected to disrupt GUCY2D protein function with a negative predictive value of 80%. In summary, the available evidence is currently insufficient to determine the role of this variant in disease. Therefore, it has been classified as a Variant of Uncertain Significance.

NM_000180.4(GUCY2D):c.705C>A (p.Asp235Glu)

Gene: GUCY2D (guanylate cyclase 2D, retinal; plus strand). Cytogenetic location: 17p13.1.
Variant type: single nucleotide variant.
Coding change: c.705C>A on transcript NM_000180.4 (MANE Select); coding-DNA position 705, C replaced by A.
Protein change: p.Asp235Glu; replaces aspartic acid 235 with glutamic acid.
Molecular consequence: missense variant.
Genome position (GRCh38, 1-based): chr17:8,003,752, C>A. VCF-style: chr17-8003752-C-A. GRCh37 (hg19) VCF-style: chr17-7907070-C-A.
Other names: short protein forms D235E.
Identifiers: ClinVar variation 1993630 (VCV001993630.4), dbSNP rs1460692143, ClinGen allele CA397944892.